The following is an entry in ClinVar:

NM_004369.4(COL6A3):c.8993T>C (p.Phe2998Ser)

Gene: COL6A3 (collagen type VI alpha 3 chain; minus strand). Cytogenetic location: 2q37.3.
Variant type: single nucleotide variant.
Coding change: c.8993T>C on transcript NM_004369.4 (MANE Select); coding-DNA position 8993, T replaced by C.
Protein change: p.Phe2998Ser; replaces phenylalanine 2998 with serine.
Molecular consequence: missense variant.
Genome position (GRCh38, 1-based): chr2:237,334,862, A>G on the plus strand (T>C on the coding strand, the complement: COL6A3 is on the minus strand). VCF-style: chr2-237334862-A-G. GRCh37 (hg19) VCF-style: chr2-238243505-A-G.
Other names: c.7172T>C, p.Phe2391Ser (NM_057166.5); c.8375T>C, p.Phe2792Ser (NM_057167.4); short protein forms F2998S, F2391S, F2792S.
Identifiers: ClinVar variation 1426187 (VCV001426187.8), dbSNP rs1187707448, ClinGen allele CA351189497.

ClinVar aggregate classification (germline): Uncertain significance (1 of 4 stars; one submission).

Conditions:
Bethlem myopathy 1A. Also called: MYOPATHY, BENIGN CONGENITAL, WITH CONTRACTURES; Bethlem Muscular Dystrophy; Bethlem myopathy 1. Identifiers: Orphanet 610, MedGen CN029274, MONDO:0024530, OMIM 158810.

Allele frequency attached by ClinVar (database versions not stated): gnomAD exomes below 0.00001; TOPMed below 0.00001.
gnomAD v4.1: 2 of 1,614,164 alleles (0.00012%); highest among the groups gnomAD compares: Non-Finnish European, 0.00017%; no homozygotes.

Submission:

Labcorp Genetics (formerly Invitae), Labcorp
Classification: Uncertain significance for Bethlem myopathy 1A. Last evaluated: 2021-05-18. Review status: criteria provided, single submitter. Criteria: Invitae Variant Classification Sherloc (09022015). Collection method: clinical testing. Allele origin: germline.
Comment: This sequence change replaces phenylalanine with serine at codon 2998 of the COL6A3 protein (p.Phe2998Ser). The phenylalanine residue is weakly conserved and there is a large physicochemical difference between phenylalanine and serine. This variant is not present in population databases (ExAC no frequency). This variant has not been reported in the literature in individuals with COL6A3-related conditions. Advanced modeling of protein sequence and biophysical properties (such as structural, functional, and spatial information, amino acid conservation, physicochemical variation, residue mobility, and thermodynamic stability) performed at Invitae indicates that this missense variant is not expected to disrupt COL6A3 protein function. In summary, the available evidence is currently insufficient to determine the role of this variant in disease. Therefore, it has been classified as a Variant of Uncertain Significance.